The following is an entry in ClinVar:

NM_001379610.1(SPINK1):c.139T>C (p.Cys47Arg)

Gene: SPINK1 (serine peptidase inhibitor Kazal type 1; minus strand). Cytogenetic location: 5q32.
Variant type: single nucleotide variant.
Coding change: c.139T>C on transcript NM_001379610.1 (MANE Select); coding-DNA position 139, T replaced by C.
Protein change: p.Cys47Arg; replaces cysteine 47 with arginine.
Molecular consequence: missense variant.
Genome position (GRCh38, 1-based): chr5:147,828,077, A>G on the plus strand (T>C on the coding strand, the complement: SPINK1 is on the minus strand). VCF-style: chr5-147828077-A-G. GRCh37 (hg19) VCF-style: chr5-147207640-A-G.
Other names: c.139T>C, p.Cys47Arg (NM_001354966.2, NM_003122.5); short protein forms C47R.
Identifiers: ClinVar variation 3223131 (VCV003223131.1), dbSNP rs2480199088, ClinGen allele CA361885279.

ClinVar aggregate classification (germline): Uncertain significance (1 of 4 stars; one submission).

Conditions:
Hereditary pancreatitis (PCTT). Also called: Hereditary chronic pancreatitis; PRSS1-Related Hereditary Pancreatitis. Identifiers: Orphanet 676, MedGen C0238339, MONDO:0008185, OMIM 167800.

Submission:

Ambry Genetics
Classification: Uncertain significance for Hereditary pancreatitis. Last evaluated: 2023-10-06. Review status: criteria provided, single submitter. Criteria: Ambry Variant Classification Scheme 2023. Collection method: clinical testing. Allele origin: germline.
Comment: The p.C47R variant (also known as c.139T>C), located in coding exon 3 of the SPINK1 gene, results from a T to C substitution at nucleotide position 139. The cysteine at codon 47 is replaced by arginine, an amino acid with highly dissimilar properties. This amino acid position is conserved. In addition, this alteration is predicted to be deleterious by in silico analysis. Since supporting evidence is limited at this time, the clinical significance of this alteration remains unclear.